The following is an entry in ClinVar:

ClinVar aggregate classification (germline): Uncertain significance (1 of 4 stars; one submission).

Conditions:
Arrhythmogenic cardiomyopathy with wooly hair and keratoderma. Also called: Carvajal syndrome; PALMOPLANTAR KERATODERMA WITH LEFT VENTRICULAR CARDIOMYOPATHY AND WOOLLY HAIR; Dilated cardiomyopathy with woolly hair and keratoderma; Arrhythmogenic cardiomyopathy with woolly hair and keratoderma. Identifiers: Orphanet 65282, MedGen C1854063, MONDO:0011581, OMIM 605676.

gnomAD v4.1: 2 of 1,614,086 alleles (0.00012%); highest among the groups gnomAD compares: Non-Finnish European, 0.00017%; no homozygotes.

Submission:

All of Us Research Program, National Institutes of Health
Classification: Uncertain significance for Arrhythmogenic cardiomyopathy with wooly hair and keratoderma. Last evaluated: 2024-03-05. Review status: criteria provided, single submitter. Criteria: ACMG Guidelines, 2015. Collection method: clinical testing. Allele origin: germline. Inheritance: Autosomal dominant inheritance. Observed: 1 variant allele, 1 heterozygote.
Comment: This study involves interpretation of variants in research participants for the purpose of population health screening. Participant phenotype was not available at the time of variant classification. Additional details can be found in publication PMID: 35346344, PMCID: PMC8962531

NM_004415.4(DSP):c.4184T>C (p.Ile1395Thr)

Gene: DSP (desmoplakin; plus strand). Cytogenetic location: 6p24.3.
Variant type: single nucleotide variant.
Coding change: c.4184T>C on transcript NM_004415.4 (MANE Select); coding-DNA position 4184, T replaced by C.
Protein change: p.Ile1395Thr; replaces isoleucine 1395 with threonine.
Molecular consequence: missense variant. On other transcripts: intron variant (2).
Genome position (GRCh38, 1-based): chr6:7,580,374, T>C. VCF-style: chr6-7580374-T-C. GRCh37 (hg19) VCF-style: chr6-7580607-T-C.
Other names: c.4050+134T>C (NM_001319034.2); c.3582+602T>C (NM_001008844.3); short protein forms I1395T.
Identifiers: ClinVar variation 3386673 (VCV003386673.1).